The following is an entry in ClinVar:

ClinVar aggregate classification (germline): Uncertain significance. Review status: criteria provided, multiple submitters, no conflicts (2 of 4 stars). 2 submissions from 2 submitters: Uncertain significance (2). Last evaluated 2024-03-06.

Conditions:
Hereditary cancer-predisposing syndrome. Also called: Tumor predisposition; Hereditary Cancer Syndrome; Neoplastic Syndromes, Hereditary; Hereditary neoplastic syndrome. Identifiers: Orphanet 140162, MedGen C0027672, MeSH D009386, MONDO:0015356.

Submissions (2):

Color Diagnostics, LLC DBA Color Health
Classification: Uncertain significance for Hereditary cancer-predisposing syndrome. Last evaluated: 2024-03-06. Review status: criteria provided, single submitter. Criteria: ACMG Guidelines, 2015. Collection method: clinical testing. Allele origin: germline.
Comment: This missense variant replaces aspartic acid with tyrosine at codon 1346 of the MSH6 protein. Computational prediction is inconclusive regarding the impact of this variant on protein structure and function (internally defined REVEL score threshold 0.5 < inconclusive < 0.7, PMID: 27666373). To our knowledge, functional studies have not been reported for this variant. This variant has not been reported in individuals affected with hereditary cancer in the literature. This variant has not been identified in the general population by the Genome Aggregation Database (gnomAD). The available evidence is insufficient to determine the role of this variant in disease conclusively. Therefore, this variant is classified as a Variant of Uncertain Significance.

Ambry Genetics
Classification: Uncertain significance for Hereditary cancer-predisposing syndrome. Last evaluated: 2017-07-08. Review status: criteria provided, single submitter. Criteria: Ambry Variant Classification Scheme 2023. Collection method: clinical testing. Allele origin: germline.
Comment: The p.D1346Y variant (also known as c.4036G>T), located in coding exon 10 of the MSH6 gene, results from a G to T substitution at nucleotide position 4036. The aspartic acid at codon 1346 is replaced by tyrosine, an amino acid with highly dissimilar properties. This amino acid position is not well conserved in available vertebrate species. In addition, the in silico prediction for this alteration is inconclusive. In addition, the CoDP in silico tool predicts this alteration to have minor impact on molecular function, with a score of 0.333 (Terui H et al. J. Biomed. Sci. 2013 Apr;20:25). Since supporting evidence is limited at this time, the clinical significance of this alteration remains unclear.

NM_000179.3(MSH6):c.4036G>T (p.Asp1346Tyr)

Gene: MSH6 (mutS homolog 6; plus strand). Cytogenetic location: 2p16.3.
Variant type: single nucleotide variant.
Coding change: c.4036G>T on transcript NM_000179.3 (MANE Select); coding-DNA position 4036, G replaced by T.
Protein change: p.Asp1346Tyr; replaces aspartic acid 1346 with tyrosine.
Molecular consequence: missense variant.
Genome position (GRCh38, 1-based): chr2:47,806,813, G>T. VCF-style: chr2-47806813-G-T. GRCh37 (hg19) VCF-style: chr2-48033952-G-T.
Other names: c.3646G>T, p.Asp1216Tyr (NM_001281492.2); c.3130G>T, p.Asp1044Tyr (NM_001281493.2, NM_001281494.2); short protein forms D1044Y, D1216Y, D1346Y.
Identifiers: ClinVar variation 1332202 (VCV001332202.5), dbSNP rs374649126, ClinGen allele CA346761686.
Genomic context (GRCh38, chr2:47,806,813, plus strand): 5'-TTTTTTTTTTTTTTTTTAATTTTAAGGGAAGTTTGCCTGGCTAGTGAAAGGTCAACTGTA[G>T]ATGCTGAAGCTGTCCATAAATTGCTGACTTTGATTAAGGAATTATAGACTGACTACATTG-3'
Protein context (NP_000170.1, residues 1336-1356): VCLASERSTV[Asp1346Tyr]AEAVHKLLTL